The following is an entry in ClinVar:

ClinVar aggregate classification (germline): Likely pathogenic (1 of 4 stars; one submission).

Conditions:
Congenital heart defects, dysmorphic facial features, and intellectual developmental disorder (CHDFIDD). Identifiers: Orphanet 646278, MedGen C4479246, MONDO:0044302, OMIM 617360.

Submission:

Juno Genomics, Hangzhou Juno Genomics, Inc
Classification: Likely pathogenic for Congenital heart defects, dysmorphic facial features, and intellectual developmental disorder. Review status: criteria provided, single submitter. Criteria: ACMG Guidelines, 2015. Collection method: clinical testing. Allele origin: germline.
Comment: Absent from controls (or at extremely low frequency if recessive) in Genome Aggregation Database.;Null variant in a gene where loss of function (LOF) is a known mechanism of disease.

NM_003718.5(CDK13):c.425del (p.Pro142fs)

Genes: CDK13 (cyclin dependent kinase 13; plus strand), LOC129998292 (ATAC-STARR-seq lymphoblastoid silent region 18115; plus strand). Cytogenetic location: 7p14.1.
Variant type: Deletion.
Coding change: c.425del on transcript NM_003718.5 (MANE Select); coding-DNA position 425, one base deleted (C; older notation c.425delC).
Protein change: p.Pro142fs; shifts the reading frame from proline 142.
Molecular consequence: frameshift variant.
Genome position (GRCh38, 1-based): chr7:39,951,066, C deleted; the last of 4 consecutive C bases (chr7:39,951,063-39,951,066); deleting any one gives the same sequence. VCF-style (leftmost placement, unchanged base first): chr7-39951062-AC-A. GRCh37 (hg19) VCF-style: chr7-39990661-AC-A.
Other names: c.425delC, p.Pro142Argfs (NM_031267.4); short protein forms P142fs.
Identifiers: ClinVar variation 5019765 (VCV005019765.2).